The following is an entry in ClinVar:

NM_006231.4(POLE):c.5262G>A (p.Met1754Ile)

Gene: POLE (DNA polymerase epsilon, catalytic subunit; minus strand). Cytogenetic location: 12q24.33.
Variant type: single nucleotide variant.
Coding change: c.5262G>A on transcript NM_006231.4 (MANE Select); coding-DNA position 5262, G replaced by A.
Protein change: p.Met1754Ile; replaces methionine 1754 with isoleucine.
Molecular consequence: missense variant.
Genome position (GRCh38, 1-based): chr12:132,641,763, C>T on the plus strand (G>A on the coding strand, the complement: POLE is on the minus strand). VCF-style: chr12-132641763-C-T. GRCh37 (hg19) VCF-style: chr12-133218349-C-T.
Other names: short protein forms M1754I.
Identifiers: ClinVar variation 1746454 (VCV001746454.6), dbSNP rs2541881074, ClinGen allele CA387376265.

ClinVar aggregate classification (germline): Conflicting classifications of pathogenicity. Review status: criteria provided, conflicting classifications (1 of 4 stars). 2 submissions from 2 submitters: Uncertain significance (1); Likely benign (1). Last evaluated 2025-03-03.

Conditions:
Hereditary cancer-predisposing syndrome. Also called: Hereditary Cancer Syndrome; Neoplastic Syndromes, Hereditary; Tumor predisposition; Hereditary neoplastic syndrome. Identifiers: Orphanet 140162, MedGen C0027672, MeSH D009386, MONDO:0015356.

Allele frequency attached by ClinVar (database versions not stated): gnomAD exomes below 0.00001.

Submissions (2):

Ambry Genetics
Classification: Likely benign for Hereditary cancer-predisposing syndrome. Last evaluated: 2025-03-03. Review status: criteria provided, single submitter. Criteria: Ambry Variant Classification Scheme 2023. Collection method: clinical testing. Allele origin: germline.

Labcorp Genetics (formerly Invitae), Labcorp
Classification: Uncertain significance. Last evaluated: 2024-07-31. Review status: criteria provided, single submitter. Criteria: Invitae Variant Classification Sherloc (09022015). Collection method: clinical testing. Allele origin: germline.
Comment: This sequence change replaces methionine, which is neutral and non-polar, with isoleucine, which is neutral and non-polar, at codon 1754 of the POLE protein (p.Met1754Ile). This variant is not present in population databases (gnomAD no frequency). This variant has not been reported in the literature in individuals affected with POLE-related conditions. ClinVar contains an entry for this variant (Variation ID: 1746454). Advanced modeling of protein sequence and biophysical properties (such as structural, functional, and spatial information, amino acid conservation, physicochemical variation, residue mobility, and thermodynamic stability) performed at Invitae indicates that this missense variant is not expected to disrupt POLE protein function with a negative predictive value of 80%. In summary, the available evidence is currently insufficient to determine the role of this variant in disease. Therefore, it has been classified as a Variant of Uncertain Significance.